The following is an entry in ClinVar:

NM_005630.3(SLCO2A1):c.209_210insA (p.Leu72fs)

Gene: SLCO2A1 (solute carrier organic anion transporter family member 2A1; minus strand). Cytogenetic location: 3q22.1.
Variant type: Insertion.
Coding change: c.209_210insA on transcript NM_005630.3 (MANE Select); coding-DNA positions 209 to 210, A inserted.
Protein change: p.Leu72fs; shifts the reading frame from leucine 72.
Molecular consequence: frameshift variant.
Genome position: GRCh38 VCF-style: chr3-133979505-C-CT. GRCh37 (hg19) VCF-style: chr3-133698349-C-CT.
Other names: short protein forms L72fs.
Identifiers: ClinVar variation 3068564 (VCV003068564.1), dbSNP rs2472498909, ClinGen allele CA2577908315.

ClinVar aggregate classification (germline): Pathogenic (1 of 4 stars; one submission).

Conditions:
Pachydermoperiostosis syndrome. Also called: Pachydermoperiostosis; Primary hypertrophic osteoarthropathy; Idiopathic hypertrophic osteoarthropathy. Identifiers: Orphanet 2796, MedGen C0029411, MONDO:0016620.

Submission:

Molecular Genetics, Royal Melbourne Hospital
Classification: Pathogenic for Pachydermoperiostosis syndrome. Last evaluated: 2023-09-04. Review status: criteria provided, single submitter. Criteria: ACMG Guidelines, 2015. Collection method: clinical testing. Allele origin: germline. Inheritance: Semidominant inheritance. Affected: yes.
Comment: This sequence change in SLCO2A1 is a frameshift variant predicted to cause a premature stop codon, p.(Leu72Serfs*7), in biologically relevant exon 2/14 leading to nonsense-mediated decay in a gene in which loss of function is an established disease mechanism (PMID: 22331663, 22197487, 23509104, 20083684). This variant is absent from the population database gnomAD v2.1 and v3.1. To our knowledge, this variant is novel and has not been previously reported in the relevant scientific literature or databases. Based on the classification scheme RMH Modified ACMG/AMP Guidelines v1.6.1, this variant is classified as PATHOGENIC. Following criteria are met: PVS1, PM2_Supporting, PM3_Supporting.

Literature cited by the submitters: PubMed 20083684; PubMed 22197487; PubMed 22331663; PubMed 23509104.